The following is an entry in ClinVar:

ClinVar aggregate classification (germline): Uncertain significance. Review status: criteria provided, multiple submitters, no conflicts (2 of 4 stars). 2 submissions from 2 submitters: Uncertain significance (2). Last evaluated 2025-04-22.

Conditions:
Legius syndrome. Identifiers: Orphanet 137605, MedGen C1969623, MONDO:0012669, OMIM 611431. Disease mechanism: loss of function.
Cardiovascular phenotype. Identifiers: MedGen CN230736.

Allele frequency attached by ClinVar (database versions not stated): gnomAD exomes below 0.00001.
gnomAD v4.1: 3 of 1,613,914 alleles (0.00019%); highest among the groups gnomAD compares: East Asian, 0.0067%; no homozygotes.

Submissions (2):

Ambry Genetics
Classification: Uncertain significance for Cardiovascular phenotype. Last evaluated: 2025-04-22. Review status: criteria provided, single submitter. Criteria: Ambry Variant Classification Scheme 2023. Collection method: clinical testing. Allele origin: germline.
Comment: The p.D180Y variant (also known as c.538G>T), located in coding exon 5 of the SPRED1 gene, results from a G to T substitution at nucleotide position 538. The aspartic acid at codon 180 is replaced by tyrosine, an amino acid with highly dissimilar properties. This amino acid position is conserved. In addition, the in silico prediction for this alteration is inconclusive. Based on the available evidence, the clinical significance of this variant remains unclear.

Labcorp Genetics (formerly Invitae), Labcorp
Classification: Uncertain significance for Legius syndrome. Last evaluated: 2019-05-03. Review status: criteria provided, single submitter. Criteria: Invitae Variant Classification Sherloc (09022015). Collection method: clinical testing. Allele origin: germline.
Comment: This variant has not been reported in the literature in individuals with SPRED1-related conditions. ClinVar contains an entry for this variant (Variation ID: 468799). This variant is not present in population databases (ExAC no frequency). This sequence change replaces aspartic acid with tyrosine at codon 180 of the SPRED1 protein (p.Asp180Tyr). The aspartic acid residue is moderately conserved and there is a large physicochemical difference between aspartic acid and tyrosine. Algorithms developed to predict the effect of missense changes on protein structure and function (SIFT, PolyPhen-2, Align-GVGD) all suggest that this variant is likely to be tolerated, but these predictions have not been confirmed by published functional studies and their clinical significance is uncertain. In summary, the available evidence is currently insufficient to determine the role of this variant in disease. Therefore, it has been classified as a Variant of Uncertain Significance.

NM_152594.3(SPRED1):c.538G>T (p.Asp180Tyr)

Gene: SPRED1 (sprouty related EVH1 domain containing 1; plus strand). Cytogenetic location: 15q14.
Variant type: single nucleotide variant.
Coding change: c.538G>T on transcript NM_152594.3 (MANE Select); coding-DNA position 538, G replaced by T.
Protein change: p.Asp180Tyr; replaces aspartic acid 180 with tyrosine.
Molecular consequence: missense variant.
Genome position (GRCh38, 1-based): chr15:38,339,851, G>T. VCF-style: chr15-38339851-G-T. GRCh37 (hg19) VCF-style: chr15-38632052-G-T.
Other names: short protein forms D180Y.
Identifiers: ClinVar variation 468799 (VCV000468799.12), dbSNP rs1375474473, ClinGen allele CA391932652.